The following is an entry in ClinVar:

NM_001379451.1(BCORL1):c.2345T>A (p.Val782Glu)

Gene: BCORL1 (BCL6 corepressor like 1; plus strand). Cytogenetic location: Xq26.1.
Variant type: single nucleotide variant.
Coding change: c.2345T>A on transcript NM_001379451.1 (MANE Select); coding-DNA position 2345, T replaced by A.
Protein change: p.Val782Glu; replaces valine 782 with glutamic acid.
Molecular consequence: missense variant.
Genome position (GRCh38, 1-based): chrX:130,015,117, T>A. VCF-style: chrX-130015117-T-A. GRCh37 (hg19) VCF-style: chrX-129149093-T-A.
Other names: c.2345T>A, p.Val782Glu (NM_001184772.3, NM_001379450.1, NM_021946.5); short protein forms V782E.
Identifiers: ClinVar variation 638168 (VCV000638168.3), dbSNP rs1488781894, ClinGen allele CA414590032.
Genomic context (GRCh38, chrX:130,015,117, plus strand): 5'-CTGGTGCCACGTGTGGCAAAAAGGGCAGCCAGGCTGGTGCTGAGGGACAGCCAAGCACAG[T>A]GAAACGATATACTCCAGCCCGCATTGCCCCTGGGCTGCCAGGGTGCCAAACCAAGGAACT-3'
Protein context (NP_001366380.1, residues 772-792): QAGAEGQPST[Val782Glu]KRYTPARIAP

ClinVar aggregate classification (germline): Uncertain significance. Review status: criteria provided, multiple submitters, no conflicts (2 of 4 stars). 3 submissions from 3 submitters: Uncertain significance (2). 1 of the submissions does not count toward it. Last evaluated 2023-06-21.

Conditions:
Shukla-Vernon syndrome. Identifiers: MedGen C5193146, MONDO:0026727, OMIM 301029.

Allele frequency attached by ClinVar (database versions not stated): gnomAD exomes 0.00001.
gnomAD v4.1: 7 of 1,211,948 alleles (0.00058%); highest among the groups gnomAD compares: Non-Finnish European, 0.00078%; no homozygotes.

Submissions (3):

GeneDx
Classification: Uncertain significance. Last evaluated: 2023-06-21. Review status: criteria provided, single submitter. Criteria: GeneDx Variant Classification Process June 2021. Collection method: clinical testing. Allele origin: germline. Affected: yes.
Comment: In silico analysis supports that this missense variant does not alter protein structure/function; This variant is associated with the following publications: (PMID: 33810051, 34400773, 30941876)

Blueprint Genetics
Classification: Uncertain significance. Last evaluated: 2020-09-01. Review status: criteria provided, single submitter. Criteria: ACMG Guidelines, 2015. Collection method: clinical testing. Allele origin: germline.

OMIM
Classification: Pathogenic for SHUKLA-VERNON SYNDROME. Last evaluated: 2019-07-25. Review status: no assertion criteria provided. Collection method: literature only. Allele origin: germline. Not counted in ClinVar's aggregate classification.

Literature cited by the submitters: PubMed 30941876 (cited by OMIM).